The following is an entry in ClinVar:

NM_000082.4(ERCC8):c.550+26A>C

Gene: ERCC8 (ERCC excision repair 8, CSA ubiquitin ligase complex subunit; minus strand). Cytogenetic location: 5q12.1.
Variant type: single nucleotide variant.
Coding change: c.550+26A>C on transcript NM_000082.4 (MANE Select); 26 bases into the intron after coding-DNA position 550, A replaced by C.
Molecular consequence: intron variant. On other transcripts: synonymous variant (1).
Genome position (GRCh38, 1-based): chr5:60,903,622, T>G on the plus strand (A>C on the coding strand, the complement: ERCC8 is on the minus strand). VCF-style: chr5-60903622-T-G. GRCh37 (hg19) VCF-style: chr5-60199449-T-G.
Other names: c.576A>C, p.Ala192= (NM_001007234.3); c.91+26A>C (NM_001290285.2); c.376+26A>C (NM_001007233.3).
Identifiers: ClinVar variation 3036072 (VCV003036072.2), dbSNP rs2531798268, ClinGen allele CA2740091731.
Genomic context (GRCh38, chr5:60,903,622, plus strand): 5'-CTTACAAAGAATACACTGTTAGTAACGTTTCTTTTTATTGAATCGTTTACTCAAAGTAGT[T>G]GCCGTTTGAAATAAAATAAAAATACCCTGTAGAATGTGAGAACAGGATCCAGACTTCAAG-3'

ClinVar aggregate classification (germline): Likely benign (0 of 4 stars; one submission).

Conditions:
ERCC8-related disorder. Also called: ERCC8-related condition.

Submission:

PreventionGenetics, part of Exact Sciences
Classification: Likely benign for ERCC8-related condition. Last evaluated: 2020-06-23. Review status: no assertion criteria provided. Collection method: clinical testing. Allele origin: germline.
Comment: This variant is classified as likely benign based on ACMG/AMP sequence variant interpretation guidelines (Richards et al. 2015 PMID: 25741868, with internal and published modifications).